The following is an entry in ClinVar:

NM_014855.3(AP5Z1):c.2399G>A (p.Arg800Lys)

Gene: AP5Z1 (adaptor related protein complex 5 subunit zeta 1; plus strand). Cytogenetic location: 7p22.1.
Variant type: single nucleotide variant.
Coding change: c.2399G>A on transcript NM_014855.3 (MANE Select); coding-DNA position 2399, G replaced by A.
Protein change: p.Arg800Lys; replaces arginine 800 with lysine.
Molecular consequence: missense variant. On other transcripts: non-coding transcript variant (1).
Genome position (GRCh38, 1-based): chr7:4,791,360, G>A. VCF-style: chr7-4791360-G-A. GRCh37 (hg19) VCF-style: chr7-4830991-G-A.
Other names: c.1931G>A, p.Arg644Lys (NM_001364858.1); short protein forms R644K, R800K.
Identifiers: ClinVar variation 1329474 (VCV001329474.4), dbSNP rs754594403, ClinGen allele CA4138467.
Genomic context (GRCh38, chr7:4,791,360, plus strand): 5'-ACCGCGATGCCAACACGGCCCTGCCCCTGGCCCTGCGCACGGTCAGCCGGCTGGTGGAGA[G>A]GGAGGCCGGCCTCATGCCAGGGTGAAGGGACAGTGGCCAGGGACTTCGGTGCAGATTAAG-3'
Protein context (NP_055670.1, residues 790-807): ALRTVSRLVE[Arg800Lys]EAGLMPG

ClinVar aggregate classification (germline): Uncertain significance. Review status: criteria provided, multiple submitters, no conflicts (2 of 4 stars). 2 submissions from 2 submitters: Uncertain significance (2). Last evaluated 2021-06-16.

Conditions:
Hereditary spastic paraplegia 48. Also called: SPASTIC PARAPLEGIA 48, AUTOSOMAL RECESSIVE; Spastic paraplegia 48. Identifiers: Orphanet 306511, MedGen C3150901, MONDO:0013342, OMIM 613647.

Allele frequency attached by ClinVar (database versions not stated): gnomAD exomes 0.00001; TOPMed 0.00001; ExAC 0.00002.
gnomAD v4.1: 8 of 1,608,030 alleles (0.0005%); highest among the groups gnomAD compares: South Asian, 0.0067%; no homozygotes.

Submissions (2):

Diagnostics Services (NGS), CSIR - Centre For Cellular And Molecular Biology
Classification: Uncertain significance for Hereditary spastic paraplegia 48. Last evaluated: 2021-06-16. Review status: criteria provided, single submitter. Criteria: ACMG Guidelines, 2015. Collection method: clinical testing. Allele origin: unknown. Inheritance: Autosomal recessive inheritance. Affected: yes. Observed: 1 variant allele, 1 heterozygote.
Comment: The c.2399G>A variant is not present in publicly available population databases like 1000 Genomes and EVS. The heterozygous state of the variant is present in ExAC, gnomAD and dbSNP at a very low frequency. The variant is not present in Indian Exome Database and in our in-house exome database. The variant was not earlier reported to ClinVar, Human Genome Mutation Database (HGMD) and/or OMIM databases in any affected individuals. In-silico pathogenicity prediction programs like SIFT, PolyPhen-3, MutationTaster2, CADD, Varsome etc. predicted this variant to be not likely deleterious, however these predictions were not proved by established functional studies. Due to lack of enough evidence the variant has been classified as uncertain significance.

Victorian Clinical Genetics Services, Murdoch Childrens Research Institute
Classification: Uncertain significance for Hereditary spastic paraplegia 48. Last evaluated: 2020-05-21. Review status: criteria provided, single submitter. Criteria: ACMG Guidelines, 2015. Collection method: clinical testing. Allele origin: germline. Inheritance: Autosomal recessive inheritance. Affected: yes.
Comment: Based on the classification scheme VCGS_Germline_v1.1.1, this variant is classified as VOUS – 3C. Following criteria are met: 0102 - Loss-of-function is a known mechanism of disease for this gene. (N) 0106 - This gene is known to be associated with autosomal recessive disease. (N) 0200 - Variant is predicted to result in a missense amino acid change from arginine to lysine. (N) 0251 - Variant is heterozygous. (N) 0304 - Variant is present in gnomAD <0.01 for a recessive condition (2 Het, 0 Hom). (P) 0503 - Missense variant consistently predicted to be tolerated or not conserved in mammals with a minor amino acid change. (B) 0604 - Variant is not located in an established domain, motif, hotspot or informative constraint region. (N) 0705 - No comparable variants have previous evidence for pathogenicity. (N) 0807 - Variant has not previously been reported in a clinical context. (N) 0905 - No segregation evidence has been identified for this variant. (N) 1007 - No published functional evidence has been identified for this variant. (N) Legend: (P) - Pathogenic, (N) - Neutral, (B) - Benign